The following is an entry in ClinVar:

ClinVar aggregate classification (germline): Uncertain significance. Review status: criteria provided, multiple submitters, no conflicts (2 of 4 stars). 6 submissions from 6 submitters: Uncertain significance (6). Last evaluated 2023-11-14.

Conditions:
Inborn genetic diseases. Identifiers: MedGen C0950123, MeSH D030342.
Desbuquois dysplasia 1 (DBQD1). Also called: MICROMELIC DWARFISM WITH VERTEBRAL AND METAPHYSEAL ABNORMALITIES AND ADVANCED CARPOTARSAL OSSIFICATION; DESBUQUOIS DYSPLASIA 1, KIM VARIANT. Identifiers: Orphanet 1425, MedGen C4012146, MONDO:0009629, OMIM 251450.

Allele frequency attached by ClinVar (database versions not stated): gnomAD 0.00002; gnomAD exomes 0.00006 and 0.00012; TOPMed 0.00006; ExAC 0.00007.
gnomAD v4.1: 89 of 1,613,970 alleles (0.0055%); highest among the groups gnomAD compares: Admixed American, 0.042%; 1 homozygote.

Submissions (6):

Ambry Genetics
Classification: Uncertain significance for Inborn genetic diseases. Last evaluated: 2023-11-14. Review status: criteria provided, single submitter. Criteria: Ambry Variant Classification Scheme 2023. Collection method: clinical testing. Allele origin: germline.

Blueprint Genetics
Classification: Uncertain significance. Last evaluated: 2022-11-30. Review status: criteria provided, single submitter. Criteria: ACMG Guidelines, 2015. Collection method: clinical testing. Allele origin: germline.

Mayo Clinic Laboratories, Mayo Clinic
Classification: Uncertain significance. Last evaluated: 2022-09-30. Review status: criteria provided, single submitter. Criteria: ACMG Guidelines, 2015. Collection method: clinical testing. Allele origin: germline. Observed: 1 variant allele.
Comment: BP4, PM2

Labcorp Genetics (formerly Invitae), Labcorp
Classification: Uncertain significance for Desbuquois dysplasia 1. Last evaluated: 2021-09-01. Review status: criteria provided, single submitter. Criteria: Invitae Variant Classification Sherloc (09022015). Collection method: clinical testing. Allele origin: germline.
Comment: This sequence change replaces methionine with valine at codon 545 of the XYLT1 protein (p.Met545Val). The methionine residue is highly conserved and there is a small physicochemical difference between methionine and valine. This variant is present in population databases (rs747718750, ExAC 0.04%). This variant has not been reported in the literature in individuals affected with XYLT1-related conditions. Algorithms developed to predict the effect of missense changes on protein structure and function output the following: SIFT: "Tolerated"; PolyPhen-2: "Benign"; Align-GVGD: "Class C0". The valine amino acid residue is found in multiple mammalian species, which suggests that this missense change does not adversely affect protein function. In summary, the available evidence is currently insufficient to determine the role of this variant in disease. Therefore, it has been classified as a Variant of Uncertain Significance.

GeneDx
Classification: Uncertain significance. Last evaluated: 2019-08-02. Review status: criteria provided, single submitter. Criteria: GeneDx Variant Classification Process June 2021. Collection method: clinical testing. Allele origin: germline. Affected: yes.
Comment: In silico analysis, which includes protein predictors and evolutionary conservation, supports that this variant does not alter protein structure/function; Has not been previously published as pathogenic or benign to our knowledge

Breakthrough Genomics
Classification: Uncertain significance. Review status: criteria provided, single submitter. Criteria: ACMG Guidelines, 2015. Collection method: not provided. Allele origin: germline. Inheritance: Autosomal recessive inheritance. Affected: yes.

NM_022166.4(XYLT1):c.1633A>G (p.Met545Val)

Genes: XYLT1 (xylosyltransferase 1; minus strand), LOC102723692 (uncharacterized LOC102723692; plus strand). Cytogenetic location: 16p12.3.
Variant type: single nucleotide variant.
Coding change: c.1633A>G on transcript NM_022166.4 (MANE Select); coding-DNA position 1633, A replaced by G.
Protein change: p.Met545Val; replaces methionine 545 with valine.
Molecular consequence: missense variant. On other transcripts: non-coding transcript variant (1).
Genome position (GRCh38, 1-based): chr16:17,138,486, T>C on the plus strand (A>G on the coding strand, the complement: XYLT1 is on the minus strand). VCF-style: chr16-17138486-T-C. GRCh37 (hg19) VCF-style: chr16-17232343-T-C.
Other names: p.Met545Val; short protein forms M545V.
Identifiers: ClinVar variation 1307685 (VCV001307685.10), dbSNP rs747718750, ClinGen allele CA7927830.